The following is an entry in ClinVar:

ClinVar aggregate classification (germline): Uncertain significance (1 of 4 stars; one submission).

Conditions:
BDNF-related disorder. Also called: BDNF-related condition.

gnomAD v4.1: 1 of 1,611,924 alleles (0.000062%); highest among the groups gnomAD compares: African/African-American, 0.0013%; no homozygotes.

Submission:

PreventionGenetics, part of Exact Sciences
Classification: Uncertain significance for BDNF-related condition. Last evaluated: 2025-03-17. Review status: criteria provided, single submitter. Criteria: ACMG Guidelines, 2015. Collection method: clinical testing. Allele origin: germline.
Comment: The BDNF c.163G>A variant is predicted to result in the amino acid substitution p.Ala55Thr. To our knowledge, this variant has not been reported in the literature. This variant is reported in 0.011% of alleles in individuals of African descent in gnomAD. This variant is called as a missense change in an alternate transcript with questionable clinical relevance (chr11-27695669-C-T). In the HGMD transcript, this variant is found in the pre-coding region (NM_170735.5:c.-15558G>A). At this time, the clinical significance of this variant is uncertain due to the absence of conclusive functional and genetic evidence.

NM_001709.5(BDNF):c.-21-15537G>A

Genes: BDNF (brain derived neurotrophic factor; minus strand), BDNF-AS (BDNF antisense RNA; plus strand). Cytogenetic location: 11p14.1.
Variant type: single nucleotide variant.
Coding change: c.-21-15537G>A on transcript NM_001709.5 (MANE Select); 15537 bases into the intron before 21 bases upstream of the start codon, G replaced by A.
Molecular consequence: intron variant. On other transcripts: missense variant (1), 5 prime UTR variant (1).
Genome position (GRCh38, 1-based): chr11:27,674,122, C>T on the plus strand (G>A on the coding strand, the complement: BDNF is on the minus strand). VCF-style: chr11-27674122-C-T. GRCh37 (hg19) VCF-style: chr11-27695669-C-T.
Other names: c.163G>A, p.Ala55Thr (NM_001143810.2); c.-201G>A (NM_001143811.2); c.4-15537G>A (NM_170731.5); c.-21-15537G>A (NM_001143805.1, NM_001143806.1, NM_170732.4 and 5 more transcripts); c.67-15537G>A (NM_001143809.2); c.-128-15196G>A (NM_001143814.2); c.25-15537G>A (NM_170734.4); short protein forms A55T.
Identifiers: ClinVar variation 4983667 (VCV004983667.1).